The following is an entry in ClinVar:

NM_021975.4(RELA):c.1006C>T (p.Arg336Cys)

Gene: RELA (RELA proto-oncogene, NF-kB subunit; minus strand). Cytogenetic location: 11q13.1.
Variant type: single nucleotide variant.
Coding change: c.1006C>T on transcript NM_021975.4 (MANE Select); coding-DNA position 1006, C replaced by T.
Protein change: p.Arg336Cys; replaces arginine 336 with cysteine.
Molecular consequence: missense variant.
Genome position (GRCh38, 1-based): chr11:65,655,715, G>A on the plus strand (C>T on the coding strand, the complement: RELA is on the minus strand). VCF-style: chr11-65655715-G-A. GRCh37 (hg19) VCF-style: chr11-65423186-G-A.
Other names: c.997C>T, p.Arg333Cys (NM_001145138.2); c.1006C>T, p.Arg336Cys (NM_001243984.2, NM_001243985.2); c.1039C>T, p.Arg347Cys (NM_001404657.1); c.979C>T, p.Arg327Cys (NM_001404658.1); c.793C>T, p.Arg265Cys (NM_001404659.1); c.688C>T, p.Arg230Cys (NM_001404660.1); c.625C>T, p.Arg209Cys (NM_001404661.1); c.913C>T, p.Arg305Cys (NM_001404662.1, NM_001404663.1); short protein forms R209C, R265C, R347C, R305C, R333C, R230C, R327C, R336C.
Identifiers: ClinVar variation 1934608 (VCV001934608.6), dbSNP rs751960651, ClinGen allele CA6106706.

ClinVar aggregate classification (germline): Uncertain significance. Review status: criteria provided, multiple submitters, no conflicts (2 of 4 stars). 2 submissions from 2 submitters: Uncertain significance (2). Last evaluated 2025-02-27.

Allele frequency attached by ClinVar (database versions not stated): gnomAD 0.00001; ExAC 0.00002; gnomAD exomes 0.00002.

Submissions (2):

Labcorp Genetics (formerly Invitae), Labcorp
Classification: Uncertain significance. Last evaluated: 2025-02-27. Review status: criteria provided, single submitter. Criteria: Invitae Variant Classification Sherloc (09022015). Collection method: clinical testing. Allele origin: germline.
Comment: This sequence change replaces arginine, which is basic and polar, with cysteine, which is neutral and slightly polar, at codon 336 of the RELA protein (p.Arg336Cys). This variant is present in population databases (rs751960651, gnomAD 0.05%). This variant has not been reported in the literature in individuals affected with RELA-related conditions. ClinVar contains an entry for this variant (Variation ID: 1934608). An algorithm developed to predict the effect of missense changes on protein structure and function (PolyPhen-2) suggests that this variant is likely to be disruptive. In summary, the available evidence is currently insufficient to determine the role of this variant in disease. Therefore, it has been classified as a Variant of Uncertain Significance.

Blueprint Genetics
Classification: Uncertain significance. Last evaluated: 2021-12-15. Review status: criteria provided, single submitter. Criteria: ACMG Guidelines, 2015. Collection method: clinical testing. Allele origin: germline.